The following is an entry in ClinVar:

ClinVar aggregate classification (germline): Uncertain significance. Review status: criteria provided, multiple submitters, no conflicts (2 of 4 stars). 2 submissions from 2 submitters: Uncertain significance (2). Last evaluated 2025-12-11.

Conditions:
Inborn genetic diseases. Identifiers: MedGen C0950123, MeSH D030342.

Allele frequency attached by ClinVar (database versions not stated): TOPMed below 0.00001; ExAC 0.00001.
gnomAD v4.1: 8 of 1,602,380 alleles (0.0005%); highest among the groups gnomAD compares: East Asian, 0.0022%; no homozygotes.

Submissions (2):

Ambry Genetics
Classification: Uncertain significance for Inborn genetic diseases. Last evaluated: 2025-12-11. Review status: criteria provided, single submitter. Criteria: Ambry Variant Classification Scheme 2023. Collection method: clinical testing. Allele origin: germline.

Labcorp Genetics (formerly Invitae), Labcorp
Classification: Uncertain significance. Last evaluated: 2024-10-08. Review status: criteria provided, single submitter. Criteria: Invitae Variant Classification Sherloc (09022015). Collection method: clinical testing. Allele origin: germline.
Comment: This sequence change replaces arginine, which is basic and polar, with tryptophan, which is neutral and slightly polar, at codon 893 of the GPR179 protein (p.Arg893Trp). The frequency data for this variant in the population databases is considered unreliable, as metrics indicate poor data quality at this position in the gnomAD database. This variant has not been reported in the literature in individuals affected with GPR179-related conditions. ClinVar contains an entry for this variant (Variation ID: 1919759). An algorithm developed to predict the effect of missense changes on protein structure and function outputs the following: PolyPhen-2: "Benign". The tryptophan amino acid residue is found in multiple mammalian species, which suggests that this missense change does not adversely affect protein function. In summary, the available evidence is currently insufficient to determine the role of this variant in disease. Therefore, it has been classified as a Variant of Uncertain Significance.

NM_001004334.4(GPR179):c.2677C>T (p.Arg893Trp)

Gene: GPR179 (G protein-coupled receptor 179; minus strand). Cytogenetic location: 17q12.
Variant type: single nucleotide variant.
Coding change: c.2677C>T on transcript NM_001004334.4 (MANE Select); coding-DNA position 2677, C replaced by T.
Protein change: p.Arg893Trp; replaces arginine 893 with tryptophan.
Molecular consequence: missense variant.
Genome position (GRCh38, 1-based): chr17:38,330,892, G>A on the plus strand (C>T on the coding strand, the complement: GPR179 is on the minus strand). VCF-style: chr17-38330892-G-A. GRCh37 (hg19) VCF-style: chr17-36486775-G-A.
Other names: c.2677C>T (NM_001004334.2); short protein forms R893W.
Identifiers: ClinVar variation 1919759 (VCV001919759.6), dbSNP rs757293863, ClinGen allele CA290105634.